The following is an entry in ClinVar:

ClinVar aggregate classification (germline): Benign. Review status: criteria provided, multiple submitters, no conflicts (2 of 4 stars). 2 submissions from 2 submitters: Benign (2). Last evaluated 2026-01-21.

Allele frequency attached by ClinVar (database versions not stated): gnomAD exomes 0.11326; ExAC 0.15613; gnomAD 0.22663; ESP Exome Variant Server 0.24443; TOPMed 0.24737; 1000 Genomes Project 0.25200; 1000 Genomes Project 30x 0.26015.
gnomAD v4.1: 200,998 of 1,612,034 alleles (12%); highest among the groups gnomAD compares: African/African-American, 53%; 19,742 homozygotes.

Submissions (24):

Women's Health and Genetics/Laboratory Corporation of America, LabCorp
Classification: Benign. Last evaluated: 2026-01-21. Review status: criteria provided, single submitter. Criteria: LabCorp Variant Classification Summary - May 2015. Collection method: clinical testing. Allele origin: germline.

Unidad de Genómica Garrahan, Hospital de Pediatría Garrahan
Classification: Benign. Last evaluated: 2024-01-24. Review status: criteria provided, single submitter. Criteria: ACMG Guidelines, 2015. Collection method: clinical testing. Allele origin: germline. Affected: no. Observed: 24 variant alleles.
Comment: This variant is classified as Benign based on local population frequency. This variant was detected in 25% of patients studied by a panel of primary immunodeficiencies. Number of patients: 24. Only high quality variants are reported.

Dr. Peter K. Rogan Lab, Western University
No classification provided (evidence only). Condition: Malignant lymphoma, large B-cell, diffuse. Review status: no classification provided. Collection method: in vitro. Allele origin: not applicable. Functional consequence: retained intron. Not counted in ClinVar's aggregate classification.

Dr. Peter K. Rogan Lab, Western University
No classification provided (evidence only). Condition: Hepatocellular carcinoma. Review status: no classification provided. Collection method: in vitro. Allele origin: not applicable. Functional consequence: retained intron. Not counted in ClinVar's aggregate classification.

Dr. Peter K. Rogan Lab, Western University
No classification provided (evidence only). Condition: Hepatocellular carcinoma. Review status: no classification provided. Collection method: in vitro. Allele origin: not applicable. Functional consequence: retained intron. Not counted in ClinVar's aggregate classification.

Dr. Peter K. Rogan Lab, Western University
No classification provided (evidence only). Condition: Cholangiocarcinoma. Review status: no classification provided. Collection method: in vitro. Allele origin: not applicable. Functional consequence: retained intron. Not counted in ClinVar's aggregate classification.

Dr. Peter K. Rogan Lab, Western University
No classification provided (evidence only). Condition: Cholangiocarcinoma. Review status: no classification provided. Collection method: in vitro. Allele origin: not applicable. Functional consequence: retained intron. Not counted in ClinVar's aggregate classification.

Dr. Peter K. Rogan Lab, Western University
No classification provided (evidence only). Condition: Uterine carcinosarcoma. Review status: no classification provided. Collection method: in vitro. Allele origin: not applicable. Functional consequence: retained intron. Not counted in ClinVar's aggregate classification.

Dr. Peter K. Rogan Lab, Western University
No classification provided (evidence only). Condition: Uterine carcinosarcoma. Review status: no classification provided. Collection method: in vitro. Allele origin: not applicable. Functional consequence: retained intron. Not counted in ClinVar's aggregate classification.

Dr. Peter K. Rogan Lab, Western University
No classification provided (evidence only). Condition: Uterine carcinosarcoma. Review status: no classification provided. Collection method: in vitro. Allele origin: not applicable. Functional consequence: retained intron. Not counted in ClinVar's aggregate classification.

Dr. Peter K. Rogan Lab, Western University
No classification provided (evidence only). Condition: Uterine carcinosarcoma. Review status: no classification provided. Collection method: in vitro. Allele origin: not applicable. Functional consequence: retained intron. Not counted in ClinVar's aggregate classification.

Dr. Peter K. Rogan Lab, Western University
No classification provided (evidence only). Condition: Uterine carcinosarcoma. Review status: no classification provided. Collection method: in vitro. Allele origin: not applicable. Functional consequence: retained intron. Not counted in ClinVar's aggregate classification.

Dr. Peter K. Rogan Lab, Western University
No classification provided (evidence only). Condition: Uterine carcinosarcoma. Review status: no classification provided. Collection method: in vitro. Allele origin: not applicable. Functional consequence: retained intron. Not counted in ClinVar's aggregate classification.

Dr. Peter K. Rogan Lab, Western University
No classification provided (evidence only). Condition: Uterine carcinosarcoma. Review status: no classification provided. Collection method: in vitro. Allele origin: not applicable. Functional consequence: retained intron. Not counted in ClinVar's aggregate classification.

Dr. Peter K. Rogan Lab, Western University
No classification provided (evidence only). Condition: Uterine carcinosarcoma. Review status: no classification provided. Collection method: in vitro. Allele origin: not applicable. Functional consequence: retained intron. Not counted in ClinVar's aggregate classification.

Dr. Peter K. Rogan Lab, Western University
No classification provided (evidence only). Condition: Uterine carcinosarcoma. Review status: no classification provided. Collection method: in vitro. Allele origin: not applicable. Functional consequence: retained intron. Not counted in ClinVar's aggregate classification.

Dr. Peter K. Rogan Lab, Western University
No classification provided (evidence only). Condition: Uterine carcinosarcoma. Review status: no classification provided. Collection method: in vitro. Allele origin: not applicable. Functional consequence: retained intron. Not counted in ClinVar's aggregate classification.

Dr. Peter K. Rogan Lab, Western University
No classification provided (evidence only). Condition: Uveal melanoma. Review status: no classification provided. Collection method: in vitro. Allele origin: not applicable. Functional consequence: retained intron. Not counted in ClinVar's aggregate classification.

Dr. Peter K. Rogan Lab, Western University
No classification provided (evidence only). Condition: Uveal melanoma. Review status: no classification provided. Collection method: in vitro. Allele origin: not applicable. Functional consequence: retained intron. Not counted in ClinVar's aggregate classification.

Dr. Peter K. Rogan Lab, Western University
No classification provided (evidence only). Condition: Uveal melanoma. Review status: no classification provided. Collection method: in vitro. Allele origin: not applicable. Functional consequence: retained intron. Not counted in ClinVar's aggregate classification.

Dr. Peter K. Rogan Lab, Western University
No classification provided (evidence only). Condition: Uveal melanoma. Review status: no classification provided. Collection method: in vitro. Allele origin: not applicable. Functional consequence: retained intron. Not counted in ClinVar's aggregate classification.

Dr. Peter K. Rogan Lab, Western University
No classification provided (evidence only). Condition: Uveal melanoma. Review status: no classification provided. Collection method: in vitro. Allele origin: not applicable. Functional consequence: retained intron. Not counted in ClinVar's aggregate classification.

Dr. Peter K. Rogan Lab, Western University
No classification provided (evidence only). Condition: Uveal melanoma. Review status: no classification provided. Collection method: in vitro. Allele origin: not applicable. Functional consequence: retained intron. Not counted in ClinVar's aggregate classification.

Dr. Peter K. Rogan Lab, Western University
No classification provided (evidence only). Condition: Uveal melanoma. Review status: no classification provided. Collection method: in vitro. Allele origin: not applicable. Functional consequence: retained intron. Not counted in ClinVar's aggregate classification.

NM_016128.4(COPG1):c.939+13C>G

Gene: COPG1 (coat protein complex I subunit gamma 1; plus strand). Cytogenetic location: 3q21.3.
Variant type: single nucleotide variant.
Coding change: c.939+13C>G on transcript NM_016128.4 (MANE Select); 13 bases into the intron after coding-DNA position 939, C replaced by G.
Molecular consequence: intron variant.
Genome position (GRCh38, 1-based): chr3:129,260,413, C>G. VCF-style: chr3-129260413-C-G. GRCh37 (hg19) VCF-style: chr3-128979256-C-G.
Other names: NC_000003.11:g.128979256C>G.
Identifiers: ClinVar variation 2688302 (VCV002688302.4), dbSNP rs6802965, ClinGen allele CA2603750.